The following is an entry in ClinVar:

ClinVar aggregate classification (germline): Uncertain significance (1 of 4 stars; one submission).

Conditions:
Treacher Collins syndrome 1 (TCS1). Also called: TCOF1-Related Treacher Collins Syndrome. Identifiers: Orphanet 861, MedGen CN315775, MONDO:0007944, OMIM 154500.

Allele frequency attached by ClinVar (database versions not stated): gnomAD exomes below 0.00001.
gnomAD v4.1: 1 of 1,607,974 alleles (0.000062%); highest among the groups gnomAD compares: Non-Finnish European, 0.000085%; no homozygotes.

Submission:

Labcorp Genetics (formerly Invitae), Labcorp
Classification: Uncertain significance for Treacher Collins syndrome 1. Last evaluated: 2023-11-28. Review status: criteria provided, single submitter. Criteria: Invitae Variant Classification Sherloc (09022015). Collection method: clinical testing. Allele origin: germline.
Comment: This sequence change falls in intron 7 of the TCOF1 gene. It does not directly change the encoded amino acid sequence of the TCOF1 protein. This variant is not present in population databases (gnomAD no frequency). This variant has not been reported in the literature in individuals affected with TCOF1-related conditions. Algorithms developed to predict the effect of sequence changes on RNA splicing suggest that this variant may create or strengthen a splice site. In summary, the available evidence is currently insufficient to determine the role of this variant in disease. Therefore, it has been classified as a Variant of Uncertain Significance.

NM_001371623.1(TCOF1):c.871-15T>C

Gene: TCOF1 (treacle ribosome biogenesis factor 1; plus strand). Cytogenetic location: 5q32.
Variant type: single nucleotide variant.
Coding change: c.871-15T>C on transcript NM_001371623.1 (MANE Select); 15 bases into the intron before coding-DNA position 871, T replaced by C.
Molecular consequence: intron variant.
Genome position (GRCh38, 1-based): chr5:150,374,159, T>C. VCF-style: chr5-150374159-T-C. GRCh37 (hg19) VCF-style: chr5-149753722-T-C.
Other names: c.640-15T>C (NM_001135245.2, NM_000356.4); c.871-15T>C (NM_001008657.3, NM_001135243.2, NM_001135244.2 and 1 more transcripts).
Identifiers: ClinVar variation 2699076 (VCV002699076.3), dbSNP rs931910352, ClinGen allele CA2675988759.
Genomic context (GRCh38, chr5:150,374,159, plus strand): 5'-CTGGACTTTATCCTAAAGGCATCACCAGAGAGTTTTCACAAGCAGGAGAGCAAGCTGCCC[T>C]TTCTTTTTCACCAGGTAAAGGCCTCTGAAAAAATTCTCCAGGTCAGAGCTGCCTCAGCCC-3'